The following is an entry in ClinVar:

NM_002110.5(HCK):c.49G>A (p.Glu17Lys)

Gene: HCK (HCK proto-oncogene, Src family tyrosine kinase; plus strand). Cytogenetic location: 20q11.21.
Variant type: single nucleotide variant.
Coding change: c.49G>A on transcript NM_002110.5 (MANE Select); coding-DNA position 49, G replaced by A.
Protein change: p.Glu17Lys; replaces glutamic acid 17 with lysine.
Molecular consequence: missense variant. On other transcripts: 5 prime UTR variant (4).
Genome position (GRCh38, 1-based): chr20:32,052,473, G>A. VCF-style: chr20-32052473-G-A. GRCh37 (hg19) VCF-style: chr20-30640276-G-A.
Other names: c.-15G>A (NM_001172129.3, NM_001172131.3); c.49G>A, p.Glu17Lys (NM_001172130.3); c.-78G>A (NM_001172132.3); c.-79G>A (NM_001172133.3); short protein forms E17K.
Identifiers: ClinVar variation 4823748 (VCV004823748.4).

ClinVar aggregate classification (germline): Uncertain significance (1 of 4 stars; one submission).

Submission:

CeGaT Center for Human Genetics Tuebingen
Classification: Uncertain significance. Last evaluated: 2026-03-01. Review status: criteria provided, single submitter. Criteria: CeGaT Center For Human Genetics Tuebingen Variant Classification Criteria Version 2. Collection method: clinical testing. Allele origin: germline. Affected: yes. Observed: 1 variant allele.
Comment: HCK: PM2